The following is an entry in ClinVar:

NM_001040272.6(ADAMTSL1):c.383C>A (p.Thr128Lys)

Gene: ADAMTSL1 (ADAMTS like 1; plus strand). Cytogenetic location: 9p22.1.
Variant type: single nucleotide variant.
Coding change: c.383C>A on transcript NM_001040272.6 (MANE Select); coding-DNA position 383, C replaced by A.
Protein change: p.Thr128Lys; replaces threonine 128 with lysine.
Molecular consequence: missense variant.
Genome position (GRCh38, 1-based): chr9:18,574,175, C>A. VCF-style: chr9-18574175-C-A. GRCh37 (hg19) VCF-style: chr9-18574173-C-A.
Other names: c.383C>A, p.Thr128Lys (NM_052866.5); short protein forms T128K.
Identifiers: ClinVar variation 2659093 (VCV002659093.24), dbSNP rs557341808, ClinGen allele CA4998622.

ClinVar aggregate classification (germline): Likely benign (1 of 4 stars; one submission).

Allele frequency attached by ClinVar (database versions not stated): gnomAD 0.00004; gnomAD exomes 0.00005; TOPMed 0.00005; ExAC 0.00012.
gnomAD v4.1: 85 of 1,614,076 alleles (0.0053%); highest among the groups gnomAD compares: Non-Finnish European, 0.0063%; no homozygotes.

Submission:

CeGaT Center for Human Genetics Tuebingen
Classification: Likely benign. Last evaluated: 2022-10-01. Review status: criteria provided, single submitter. Criteria: CeGaT Center For Human Genetics Tuebingen Variant Classification Criteria Version 2. Collection method: clinical testing. Allele origin: germline. Affected: yes. Observed: 1 variant allele.
Comment: ADAMTSL1: BP4